The following is an entry in ClinVar:

ClinVar aggregate classification (germline): Benign (1 of 4 stars; one submission).

Submission:

GeneDx
Classification: Benign. Last evaluated: 2018-06-19. Review status: criteria provided, single submitter. Criteria: GeneDx Variant Classification (06012015). Collection method: clinical testing. Allele origin: germline. Affected: yes.
Comment: This variant is considered likely benign or benign based on one or more of the following criteria: it is a conservative change, it occurs at a poorly conserved position in the protein, it is predicted to be benign by multiple in silico algorithms, and/or has population frequency not consistent with disease.

NM_000202.8(IDS):c.419-133dup

Genes: IDS (iduronate 2-sulfatase; minus strand), LOC106050102 (IDS recombination region; plus strand). Cytogenetic location: Xq28.
Variant type: Duplication.
Coding change: c.419-133dup on transcript NM_000202.8 (MANE Select); 133 bases into the intron before coding-DNA position 419, one base duplicated (C; older notation c.419-133dupC).
Molecular consequence: intron variant.
Genome position (GRCh38, 1-based): chrX:149,501,169, G duplicated on the plus strand (C on the coding strand, the reverse complement: IDS is on the minus strand); the first of 2 consecutive G bases (chrX:149,501,169-149,501,170); duplicating either gives the same sequence. VCF-style (leftmost placement, unchanged base first): chrX-149501168-A-AG. GRCh37 (hg19) VCF-style: chrX-148582699-A-AGG.
Other names: c.149-133dup (NM_001166550.4); c.419-133dup (NM_006123.5).
Identifiers: ClinVar variation 683609 (VCV000683609.1), dbSNP rs74514769, ClinGen allele CA337036619.
Genomic context (GRCh38, chrX:149,501,168, plus strand): 5'-TGTAAACAAATGGGCAAGTGGAACCTCCCTTCTTTGGGGCTCAGTTTCCTCATCTACAAA[A>AG]GGTCCCCTCTAAAGCCAAACTCTCTAGTTTCTATTTGAGAACTAAGCATCTGACTTCCTG-3'